The following is an entry in ClinVar:

ClinVar aggregate classification (germline): Likely pathogenic (1 of 4 stars; one submission).

Conditions:
Dilated cardiomyopathy 1G (CMD1G). Identifiers: Orphanet 154, MedGen C1858763, MONDO:0011400, OMIM 604145.
Autosomal recessive limb-girdle muscular dystrophy type 2J (LGMDR10). Also called: Limb-girdle muscular dystrophy, type 2J; MUSCULAR DYSTROPHY, LIMB-GIRDLE, AUTOSOMAL RECESSIVE 10. Identifiers: Orphanet 140922, MedGen C1837342, MONDO:0012127, OMIM 608807.

Submission:

Labcorp Genetics (formerly Invitae), Labcorp
Classification: Likely pathogenic for Dilated cardiomyopathy 1G; Autosomal recessive limb-girdle muscular dystrophy type 2J. Last evaluated: 2022-11-15. Review status: criteria provided, single submitter. Criteria: Invitae Variant Classification Sherloc (09022015). Collection method: clinical testing. Allele origin: germline.
Comment: In summary, the currently available evidence indicates that the variant is pathogenic, but additional data are needed to prove that conclusively. Therefore, this variant has been classified as Likely Pathogenic. This variant is located in the A band of TTN (PMID: 25589632). Truncating variants in this region are significantly overrepresented in patients affected with dilated cardiomyopathy (PMID: 25589632). Truncating variants in this region have also been reported in individuals affected with autosomal recessive centronuclear myopathy (PMID: 23975875). ClinVar contains an entry for this variant (Variation ID: 859653). This variant has not been reported in the literature in individuals affected with TTN-related conditions. This variant is not present in population databases (gnomAD no frequency). This sequence change creates a premature translational stop signal (p.Asp28211Ilefs*4) in the TTN gene. While this is not anticipated to result in nonsense mediated decay, it is expected to create a truncated TTN protein.

Literature cited by the submitters: PubMed 25589632; PubMed 23975875.

NM_001267550.2(TTN):c.84631del (p.Asp28211fs)

Genes: TTN (titin; minus strand), TTN-AS1 (TTN antisense RNA 1; plus strand). Cytogenetic location: 2q31.2.
Variant type: Deletion.
Coding change: c.84631del on transcript NM_001267550.2 (MANE Select); coding-DNA position 84631, one base deleted (G; older notation c.84631delG).
Protein change: p.Asp28211fs; shifts the reading frame from aspartic acid 28211.
Molecular consequence: frameshift variant.
Genome position (GRCh38, 1-based): chr2:178,561,501, C deleted on the plus strand (G on the coding strand, the reverse complement: TTN is on the minus strand). VCF-style (leftmost placement, unchanged base first): chr2-178561500-TC-T. GRCh37 (hg19) VCF-style: chr2-179426227-TC-T.
Other names: c.79708del, p.Asp26570fs (NM_001256850.1); c.57436del, p.Asp19146fs (NM_003319.4); c.76927del, p.Asp25643fs (NM_133378.4); c.57811del, p.Asp19271fs (NM_133432.3); c.58012del, p.Asp19338fs (NM_133437.4); short protein forms D19146fs, D26570fs, D19271fs, D25643fs, D19338fs, D28211fs.
Identifiers: ClinVar variation 859653 (VCV000859653.12), dbSNP rs1703651493, ClinGen allele CA916081338.
Genomic context (GRCh38, chr2:178,561,500, plus strand): 5'-GCATATACACGATACTCATACATCAGTCCTTCATCAAGGCCGGAGACTTTCATTTGAGTA[TC>T]AGCAATGAGGATTTTATTTGCTTTTGACCAAAGAATGCTGCTTCTTTCTTTATACTCAAG-3'